The following is an entry in ClinVar:

NM_000051.4(ATM):c.8626A>C (p.Ile2876Leu)

Genes: ATM (ATM serine/threonine kinase; plus strand), C11orf65 (chromosome 11 open reading frame 65; minus strand). Cytogenetic location: 11q22.3.
Variant type: single nucleotide variant.
Coding change: c.8626A>C on transcript NM_000051.4 (MANE Select); coding-DNA position 8626, A replaced by C.
Protein change: p.Ile2876Leu; replaces isoleucine 2876 with leucine.
Molecular consequence: missense variant. On other transcripts: intron variant (2).
Genome position (GRCh38, 1-based): chr11:108,347,320, A>C. VCF-style: chr11-108347320-A-C. GRCh37 (hg19) VCF-style: chr11-108218047-A-C.
Other names: c.8626A>C, p.Ile2876Leu (NM_001351834.2); c.641-38249T>G (NM_001330368.2); c.695-12028T>G (NM_001351110.2); short protein forms I2876L.
Identifiers: ClinVar variation 1764082 (VCV001764082.3), dbSNP rs2137081893, ClinGen allele CA382520779.

ClinVar aggregate classification (germline): Uncertain significance. Review status: criteria provided, multiple submitters, no conflicts (2 of 4 stars). 2 submissions from 2 submitters: Uncertain significance (2). Last evaluated 2023-07-13.

Conditions:
Hereditary cancer-predisposing syndrome. Also called: Hereditary neoplastic syndrome; Neoplastic Syndromes, Hereditary; Tumor predisposition; Hereditary Cancer Syndrome. Identifiers: Orphanet 140162, MedGen C0027672, MeSH D009386, MONDO:0015356.
ATM-related disorder. Also called: ATM-related disorders; ATM-related condition.

Submissions (2):

PreventionGenetics, part of Exact Sciences
Classification: Uncertain significance for ATM-related condition. Last evaluated: 2023-07-13. Review status: criteria provided, single submitter. Criteria: ACMG Guidelines, 2015. Collection method: clinical testing. Allele origin: germline.
Comment: The ATM c.8626A>C variant is predicted to result in the amino acid substitution p.Ile2876Leu. To our knowledge, this variant has not been reported in the literature or in a large population database, indicating this variant is rare. At this time, the clinical significance of this variant is uncertain due to the absence of conclusive functional and genetic evidence.

Ambry Genetics
Classification: Uncertain significance for Hereditary cancer-predisposing syndrome. Last evaluated: 2022-08-06. Review status: criteria provided, single submitter. Criteria: Ambry Variant Classification Scheme 2023. Collection method: clinical testing. Allele origin: germline.
Comment: The p.I2876L variant (also known as c.8626A>C), located in coding exon 58 of the ATM gene, results from an A to C substitution at nucleotide position 8626. The isoleucine at codon 2876 is replaced by leucine, an amino acid with highly similar properties. This amino acid position is conserved. In addition, the in silico prediction for this alteration is inconclusive. Since supporting evidence is limited at this time, the clinical significance of this alteration remains unclear.